The following is an entry in ClinVar:

ClinVar aggregate classification (germline): Conflicting classifications of pathogenicity. Review status: criteria provided, conflicting classifications (1 of 4 stars). 2 submissions from 2 submitters: Pathogenic (1); Uncertain significance (1). Last evaluated 2024-11-11.

Conditions:
Intellectual disability, autosomal dominant 9 (NESCAVS). Also called: KIF1A-Related Neurodevelopmental Disorder; NESCAV SYNDROME. Identifiers: Orphanet 662367, MedGen C5393830, MONDO:0013656, OMIM 614255.

Submissions (2):

GeneDx
Classification: Pathogenic. Last evaluated: 2024-11-11. Review status: criteria provided, single submitter. Criteria: GeneDx Variant Classification Process June 2021. Collection method: clinical testing. Allele origin: germline. Affected: yes.
Comment: Identified in patients with features of a KIF1A-related disorder in published literature (PMID: 33163565, 30301590); Not observed at significant frequency in large population cohorts (gnomAD); In silico analysis supports that this missense variant has a deleterious effect on protein structure/function; This variant is associated with the following publications: (PMID: 21820098, 21376300, 30301590, 33163565)

Baylor Genetics
Classification: Uncertain significance for Intellectual disability, autosomal dominant 9. Last evaluated: 2020-02-07. Review status: criteria provided, single submitter. Criteria: ACMG Guidelines, 2015. Collection method: clinical testing. Allele origin: unknown. Affected: yes.
Comment: This variant was determined to be of uncertain significance according to ACMG Guidelines, 2015 [PMID:25741868].

NM_001244008.2(KIF1A):c.650C>T (p.Ser217Phe)

Gene: KIF1A (kinesin family member 1A; minus strand). Cytogenetic location: 2q37.3.
Variant type: single nucleotide variant.
Coding change: c.650C>T on transcript NM_001244008.2 (MANE Select); coding-DNA position 650, C replaced by T.
Protein change: p.Ser217Phe; replaces serine 217 with phenylalanine.
Molecular consequence: missense variant.
Genome position (GRCh38, 1-based): chr2:240,785,059, G>A on the plus strand (C>T on the coding strand, the complement: KIF1A is on the minus strand). VCF-style: chr2-240785059-G-A. GRCh37 (hg19) VCF-style: chr2-241724476-G-A.
Other names: c.650C>T, p.Ser217Phe (NM_001320705.2, NM_001330289.2, NM_001330290.2 and 20 more transcripts); short protein forms S217F.
Identifiers: ClinVar variation 1028217 (VCV001028217.2), dbSNP rs876661202, ClinGen allele CA351304762.